The following is an entry in ClinVar:

ClinVar aggregate classification (germline): Uncertain significance. Review status: criteria provided, multiple submitters, no conflicts (2 of 4 stars). 2 submissions from 2 submitters: Uncertain significance (2). Last evaluated 2019-04-25.

Conditions:
Hereditary cancer-predisposing syndrome. Also called: Hereditary neoplastic syndrome; Tumor predisposition; Neoplastic Syndromes, Hereditary; Hereditary Cancer Syndrome. Identifiers: Orphanet 140162, MedGen C0027672, MeSH D009386, MONDO:0015356.

Submissions (2):

Ambry Genetics
Classification: Uncertain significance for Hereditary cancer-predisposing syndrome. Last evaluated: 2019-04-25. Review status: criteria provided, single submitter. Criteria: Ambry Variant Classification Scheme 2023. Collection method: clinical testing. Allele origin: germline.
Comment: The p.G223A variant (also known as c.668G>C) is located in coding exon 8 of the RAD51D gene. The glycine at codon 223 is replaced by alanine, an amino acid with similar properties. This change occurs in the first base pair of coding exon 8. This amino acid position is highly conserved in available vertebrate species. In addition, this alteration is predicted to be deleterious by in silico analysis. Since supporting evidence is limited at this time, the clinical significance of this alteration remains unclear.

GeneDx
Classification: Uncertain significance. Last evaluated: 2015-05-08. Review status: criteria provided, single submitter. Criteria: GeneDx Variant Classification (06012015). Collection method: clinical testing. Allele origin: germline. Affected: yes.
Comment: This variant is denoted RAD51D c.668G>C at the cDNA level, p.Gly223Ala (G223A) at the protein level, and results in the change of a Glycine to an Alanine (GGC>GCC). This variant has not, to our knowledge, been published in the literature as pathogenic or benign. RAD51D Gly223Ala was not observed in approximately 6,500 individuals of European and African American ancestry in the NHLBI Exome Sequencing Project, indicating it is not a common benign variant in these populations. Since Glycine and Alanine share similar properties, this is considered a conservative amino acid substitution. RAD51D Gly223Ala occurs at a position where amino acids with properties similar to Glycine are tolerated across species and is located in the ATPase domain (Kim 2011). In silico analyses are inconsistent regarding the effect this variant may have on protein structure and function. Based on currently available information, it is unclear whether RAD51D Gly223Ala is pathogenic or benign. We consider it to be a variant of uncertain significance.

NM_002878.4(RAD51D):c.668G>C (p.Gly223Ala)

Genes: RAD51D (RAD51 paralog D; minus strand), RAD51L3-RFFL (RAD51L3-RFFL readthrough; minus strand). Cytogenetic location: 17q12.
Variant type: single nucleotide variant.
Coding change: c.668G>C on transcript NM_002878.4 (MANE Select); coding-DNA position 668, G replaced by C.
Protein change: p.Gly223Ala; replaces glycine 223 with alanine.
Molecular consequence: missense variant. On other transcripts: non-coding transcript variant (3).
Genome position (GRCh38, 1-based): chr17:35,103,324, C>G on the plus strand (G>C on the coding strand, the complement: RAD51D is on the minus strand). VCF-style: chr17-35103324-C-G. GRCh37 (hg19) VCF-style: chr17-33430343-C-G.
Other names: c.728G>C, p.Gly243Ala (NM_001142571.2); c.332G>C, p.Gly111Ala (NM_133629.3); short protein forms G223A, G111A, G243A.
Identifiers: ClinVar variation 419019 (VCV000419019.6), dbSNP rs1064793588, ClinGen allele CA16620382.
Genomic context (GRCh38, chr17:35,103,324, plus strand): 5'-ATGCCAAGGTCCCGGGCCAGGGTCTTCAGCTCTCGGGCCAGCTGCATCATCAAGGCCAAG[C>G]CTGCAGGAGGAGGAGAAGCAGAGAGGGAGGGCAGTGGGGAACCAGGGATGGGGCTGGCCA-3'
Protein context (NP_002869.3, residues 213-233): SPLLGGQQRE[Gly223Ala]LALMMQLARE